The following is an entry in ClinVar:

ClinVar aggregate classification (germline): Uncertain significance (1 of 4 stars; one submission).

Allele frequency attached by ClinVar (database versions not stated): gnomAD exomes 0.00002 and 0.00003; gnomAD 0.00003; TOPMed 0.00006; ExAC 0.00008.
gnomAD v4.1: 32 of 1,566,808 alleles (0.002%); highest among the groups gnomAD compares: Admixed American, 0.0077%; no homozygotes.

Submission:

Laboratorio de Genetica e Diagnostico Molecular, Hospital Israelita Albert Einstein
Classification: Uncertain significance. Last evaluated: 2020-02-05. Review status: criteria provided, single submitter. Criteria: ACMG Guidelines, 2015. Collection method: clinical testing. Allele origin: germline. Affected: yes.
Comment: ACMG classification criteria: PP3

NM_002055.5(GFAP):c.1171+21T>C

Gene: GFAP (glial fibrillary acidic protein; minus strand). Cytogenetic location: 17q21.31.
Variant type: single nucleotide variant.
Coding change: c.1171+21T>C on transcript NM_002055.5 (MANE Select); 21 bases into the intron after coding-DNA position 1171, T replaced by C.
Molecular consequence: intron variant. On other transcripts: missense variant (1).
Genome position (GRCh38, 1-based): chr17:44,910,594, A>G on the plus strand (T>C on the coding strand, the complement: GFAP is on the minus strand). VCF-style: chr17-44910594-A-G. GRCh37 (hg19) VCF-style: chr17-42987962-A-G.
Other names: c.1192T>C, p.Trp398Arg (NM_001242376.3); c.1171+21T>C (NM_001363846.2, NM_001131019.3); short protein forms W398R.
Identifiers: ClinVar variation 1690794 (VCV001690794.2), dbSNP rs769169553, ClinGen allele CA8608729.